The following is an entry in ClinVar:

NM_138694.4(PKHD1):c.3497del (p.Pro1166fs)

Gene: PKHD1 (PKHD1 ciliary IPT domain containing fibrocystin/polyductin; minus strand). Cytogenetic location: 6p12.2.
Variant type: Deletion.
Coding change: c.3497del on transcript NM_138694.4 (MANE Select); coding-DNA position 3497, one base deleted (C; older notation c.3497delC).
Protein change: p.Pro1166fs; shifts the reading frame from proline 1166.
Molecular consequence: frameshift variant.
Genome position (GRCh38, 1-based): chr6:52,028,219, G deleted on the plus strand (C on the coding strand, the reverse complement: PKHD1 is on the minus strand); the first of 5 consecutive G bases (chr6:52,028,219-52,028,223); deleting any one gives the same sequence. VCF-style (leftmost placement, unchanged base first): chr6-52028218-TG-T. GRCh37 (hg19) VCF-style: chr6-51893016-TG-T.
Other names: c.3497del, p.Pro1166fs (NM_170724.3); short protein forms P1166fs.
Identifiers: ClinVar variation 1724109 (VCV001724109.2), dbSNP rs2532788783, ClinGen allele CA2580075510.

ClinVar aggregate classification (germline): Likely pathogenic (1 of 4 stars; one submission).

Conditions:
Polycystic kidney disease 4 (PKD4). Also called: POLYCYSTIC KIDNEY AND HEPATIC DISEASE 1; POLYCYSTIC KIDNEY DISEASE, INFANTILE, TYPE I; POLYCYSTIC KIDNEY DISEASE 4 WITH OR WITHOUT POLYCYSTIC LIVER DISEASE; PKD3; Autosomal Recessive Polycystic Kidney Disease – PKHD1. Identifiers: MedGen C4540575, MONDO:0033004, OMIM 263200.

Submission:

Myriad Genetics, Inc.
Classification: Likely pathogenic for Polycystic kidney disease 4. Last evaluated: 2021-11-05. Review status: criteria provided, single submitter. Criteria: Myriad Women's Health Autosomal Recessive and X-Linked Classification Criteria (2021). Collection method: clinical testing. Allele origin: unknown.
Comment: NM_138694.3(PKHD1):c.3497delC(P1166Hfs*54) is expected to be pathogenic in the context of autosomal recessive polycystic kidney disease, PKHD1-related. This variant is predicted to lead to an abnormal or absent protein product due to the creation of a premature termination codon in PKHD1, a gene where loss-of-function variants are known to be pathogenic. Please note: this variant was assessed in the context of healthy population screening.